The following is an entry in ClinVar:

ClinVar aggregate classification (germline): Uncertain significance (1 of 4 stars; one submission).

Conditions:
Spastic paraplegia. Identifiers: MedGen C0037772, HP:0001258.

Submission:

Labcorp Genetics (formerly Invitae), Labcorp
Classification: Uncertain significance for Spastic paraplegia. Last evaluated: 2024-05-18. Review status: criteria provided, single submitter. Criteria: Invitae Variant Classification Sherloc (09022015). Collection method: clinical testing. Allele origin: germline.
Comment: This sequence change replaces serine, which is neutral and polar, with proline, which is neutral and non-polar, at codon 642 of the KIF5A protein (p.Ser642Pro). This variant is not present in population databases (gnomAD no frequency). This variant has not been reported in the literature in individuals affected with KIF5A-related conditions. Advanced modeling of protein sequence and biophysical properties (such as structural, functional, and spatial information, amino acid conservation, physicochemical variation, residue mobility, and thermodynamic stability) has been performed at Invitae for this missense variant, however the output from this modeling did not meet the statistical confidence thresholds required to predict the impact of this variant on KIF5A protein function. In summary, the available evidence is currently insufficient to determine the role of this variant in disease. Therefore, it has been classified as a Variant of Uncertain Significance.

NM_004984.4(KIF5A):c.1924T>C (p.Ser642Pro)

Gene: KIF5A (kinesin family member 5A; plus strand). Cytogenetic location: 12q13.3.
Variant type: single nucleotide variant.
Coding change: c.1924T>C on transcript NM_004984.4 (MANE Select); coding-DNA position 1924, T replaced by C.
Protein change: p.Ser642Pro; replaces serine 642 with proline.
Molecular consequence: missense variant.
Genome position (GRCh38, 1-based): chr12:57,575,658, T>C. VCF-style: chr12-57575658-T-C. GRCh37 (hg19) VCF-style: chr12-57969441-T-C.
Other names: c.1657T>C, p.Ser553Pro (NM_001354705.2); short protein forms S553P, S642P.
Identifiers: ClinVar variation 3637614 (VCV003637614.2).